The following is an entry in ClinVar:

ClinVar aggregate classification (germline): Likely benign. Review status: criteria provided, single submitter (1 of 4 stars). 2 submissions from 2 submitters: Likely benign (1). 1 of the submissions does not count toward it. Last evaluated 2022-03-26.

Conditions:
PSEN2-related disorder. Also called: PSEN2-related condition.
Alzheimer disease 4 (AD4). Identifiers: Orphanet 1020, MedGen C1847200, MONDO:0011743, OMIM 606889.

Allele frequency attached by ClinVar (database versions not stated): gnomAD exomes below 0.00001; ExAC 0.00002; TOPMed 0.00006; gnomAD 0.00007; ESP Exome Variant Server 0.00015.
gnomAD v4.1: 16 of 1,613,526 alleles (0.00099%); highest among the groups gnomAD compares: African/African-American, 0.016%; no homozygotes.

Submissions (2):

Labcorp Genetics (formerly Invitae), Labcorp
Classification: Likely benign for Alzheimer disease 4. Last evaluated: 2022-03-26. Review status: criteria provided, single submitter. Criteria: Invitae Variant Classification Sherloc (09022015). Collection method: clinical testing. Allele origin: germline.

PreventionGenetics, part of Exact Sciences
Classification: Likely benign for PSEN2-related condition. Last evaluated: 2021-01-26. Review status: no assertion criteria provided. Collection method: clinical testing. Allele origin: germline. Not counted in ClinVar's aggregate classification.
Comment: This variant is classified as likely benign based on ACMG/AMP sequence variant interpretation guidelines (Richards et al. 2015 PMID: 25741868, with internal and published modifications).

NM_000447.3(PSEN2):c.294C>T (p.Cys98=)

Gene: PSEN2 (presenilin 2; plus strand). Cytogenetic location: 1q42.13.
Variant type: single nucleotide variant.
Coding change: c.294C>T on transcript NM_000447.3 (MANE Select); coding-DNA position 294, C replaced by T.
Protein change: p.Cys98=; no amino-acid change (cysteine 98 retained).
Molecular consequence: synonymous variant.
Genome position (GRCh38, 1-based): chr1:226,883,857, C>T. VCF-style: chr1-226883857-C-T. GRCh37 (hg19) VCF-style: chr1-227071558-C-T.
Other names: c.294C>T (NM_000447.2); c.294C>T, p.Cys98= (NM_012486.3).
Identifiers: ClinVar variation 2045317 (VCV002045317.6), dbSNP rs146718524, ClinGen allele CA1424457.